The following is an entry in ClinVar:

ClinVar aggregate classification (germline): Likely pathogenic (1 of 4 stars; one submission).

Conditions:
Glycogen storage disease IXb (GSD9B). Also called: GLYCOGENOSIS OF LIVER AND MUSCLE, AUTOSOMAL RECESSIVE; GSD IXb; PHOSPHORYLASE KINASE DEFICIENCY OF LIVER AND MUSCLE, AUTOSOMAL RECESSIVE. Identifiers: Orphanet 79240, MedGen C0543514, MONDO:0009868, OMIM 261750.

Submission:

Labcorp Genetics (formerly Invitae), Labcorp
Classification: Likely pathogenic for Glycogen storage disease IXb. Last evaluated: 2023-07-19. Review status: criteria provided, single submitter. Criteria: Invitae Variant Classification Sherloc (09022015). Collection method: clinical testing. Allele origin: unknown.
Comment: In summary, the currently available evidence indicates that the variant is pathogenic, but additional data are needed to prove that conclusively. Therefore, this variant has been classified as Likely Pathogenic. This variant has not been reported in the literature in individuals affected with PHKB-related conditions. This variant results in a copy number gain of the genomic region encompassing exon(s) 2-4 of the PHKB gene. While the exact position of this variant cannot be determined from the data, sub-genic copy number gains are generally in tandem (PMID: 25640679). This variant is predicted to be out-of-frame, and may result in an absent or disrupted protein product. Loss-of-function variants in PHKB are known to be pathogenic (PMID: 9215682, 9326319).

Literature cited by the submitters: PubMed 25640679; PubMed 9215682; PubMed 9326319.

NC_000016.9:g.(?_47531290)_(47537021_?)dup

Gene: PHKB (phosphorylase kinase regulatory subunit beta; plus strand). Cytogenetic location: 16q12.1.
Variant type: Duplication.
Identifiers: ClinVar variation 3243391 (VCV003243391.1).